The following is an entry in ClinVar:

ClinVar aggregate classification (germline): Likely benign (0 of 4 stars; one submission).

Conditions:
TRIM54-related disorder. Also called: TRIM54-related condition.

Allele frequency attached by ClinVar (database versions not stated): ExAC 0.00056; gnomAD exomes 0.00075; gnomAD 0.00077; TOPMed 0.00085; ESP Exome Variant Server 0.00120.

Submission:

PreventionGenetics, part of Exact Sciences
Classification: Likely benign for TRIM54-related condition. Last evaluated: 2019-03-25. Review status: no assertion criteria provided. Collection method: clinical testing. Allele origin: germline.
Comment: This variant is classified as likely benign based on ACMG/AMP sequence variant interpretation guidelines (Richards et al. 2015 PMID: 25741868, with internal and published modifications).

NM_187841.3(TRIM54):c.513+10_513+11del

Gene: TRIM54 (tripartite motif containing 54; plus strand). Cytogenetic location: 2p23.3.
Variant type: Deletion.
Coding change: c.513+10_513+11del on transcript NM_187841.3 (MANE Select); bases 10 to 11 of the intron after coding-DNA position 513, 2 bases deleted (AG; older notation c.513+10_513+11delAG).
Molecular consequence: intron variant.
Genome position (GRCh38, 1-based): chr2:27,299,426-27,299,427, AG deleted. VCF-style (leftmost placement, unchanged base first): chr2-27299425-CAG-C. GRCh37 (hg19) VCF-style: chr2-27522293-CAG-C.
Other names: c.513+10_513+11del (NM_032546.4).
Identifiers: ClinVar variation 3050858 (VCV003050858.2), dbSNP rs373666080, ClinGen allele CA1575104.